The following is an entry in ClinVar:

ClinVar aggregate classification (germline): Uncertain significance (1 of 4 stars; one submission).

Allele frequency attached by ClinVar (database versions not stated): gnomAD exomes below 0.00001.
gnomAD v4.1: 1 of 1,211,316 alleles (0.000083%); highest among the groups gnomAD compares: Non-Finnish European, 0.00011%; no homozygotes.

Submission:

GeneDx
Classification: Uncertain significance. Last evaluated: 2025-07-03. Review status: criteria provided, single submitter. Criteria: GeneDx Variant Classification Process June 2021. Collection method: clinical testing. Allele origin: germline.
Comment: Not observed at significant frequency in large population cohorts (gnomAD); In silico analysis supports that this missense variant has a deleterious effect on protein structure/function; Has not been previously published as pathogenic or benign to our knowledge

NM_001039591.3(USP9X):c.2080C>T (p.Arg694Cys)

Gene: USP9X (ubiquitin specific peptidase 9 X-linked; plus strand). Cytogenetic location: Xp11.4.
Variant type: single nucleotide variant.
Coding change: c.2080C>T on transcript NM_001039591.3 (MANE Select); coding-DNA position 2080, C replaced by T.
Protein change: p.Arg694Cys; replaces arginine 694 with cysteine.
Molecular consequence: missense variant.
Genome position (GRCh38, 1-based): chrX:41,165,966, C>T. VCF-style: chrX-41165966-C-T. GRCh37 (hg19) VCF-style: chrX-41025219-C-T.
Other names: c.2080C>T, p.Arg694Cys (NM_001039590.3); c.2095C>T, p.Arg699Cys (NM_001410748.1, NM_001410749.1); short protein forms R694C, R699C.
Identifiers: ClinVar variation 1800496 (VCV001800496.2), dbSNP rs2519212858, ClinGen allele CA412752659.
Genomic context (GRCh38, chrX:41,165,966, plus strand): 5'-GCTCCTCAGGCAAAACAAATATGGAAATGCTTAGCTGAGAATGCAGTTTACCTTTGTGAT[C>T]GTGAAGCCTGTTTTAAGTGGTATTCCAAGTTGATGGGGGATGAACCAGACTTAGATCCTG-3'
Protein context (NP_001034680.2, residues 684-704): LAENAVYLCD[Arg694Cys]EACFKWYSKL